The following is an entry in ClinVar:

NM_005876.5(SPEG):c.3176G>A (p.Arg1059Gln)

Gene: SPEG (striated muscle enriched protein kinase; plus strand). Cytogenetic location: 2q35.
Variant type: single nucleotide variant.
Coding change: c.3176G>A on transcript NM_005876.5 (MANE Select); coding-DNA position 3176, G replaced by A.
Protein change: p.Arg1059Gln; replaces arginine 1059 with glutamine.
Molecular consequence: missense variant.
Genome position (GRCh38, 1-based): chr2:219,468,611, G>A. VCF-style: chr2-219468611-G-A. GRCh37 (hg19) VCF-style: chr2-220333333-G-A.
Other names: c.3176G>A (NM_005876.4); short protein forms R1059Q.
Identifiers: ClinVar variation 1388988 (VCV001388988.9), dbSNP rs572860871, ClinGen allele CA2126091.
Genomic context (GRCh38, chr2:219,468,611, plus strand): 5'-ATCTCTGAGCTGCCCCCTGCCCCACAGATGAGCTGACCTGCAGTGCCCGGCTGACCGTGC[G>A]GCCCTCGTTGGCACCCCTGTTCACACGGCTGCTGGAAGATGTGGAGGTGTTGGAGGGCCG-3'
Protein context (NP_005867.3, residues 1049-1069): ELTCSARLTV[Arg1059Gln]PSLAPLFTRL

ClinVar aggregate classification (germline): Uncertain significance. Review status: criteria provided, multiple submitters, no conflicts (2 of 4 stars). 2 submissions from 2 submitters: Uncertain significance (2). Last evaluated 2022-11-10.

Conditions:
Inborn genetic diseases. Identifiers: MedGen C0950123, MeSH D030342.

Allele frequency attached by ClinVar (database versions not stated): gnomAD exomes below 0.00001; ExAC 0.00001; gnomAD 0.00001; 1000 Genomes Project 0.00020; 1000 Genomes Project 30x 0.00031.
gnomAD v4.1: 2 of 1,613,672 alleles (0.00012%); highest among the groups gnomAD compares: Admixed American, 0.0017%; no homozygotes.

Submissions (2):

Ambry Genetics
Classification: Uncertain significance for Inborn genetic diseases. Last evaluated: 2022-11-10. Review status: criteria provided, single submitter. Criteria: Ambry Variant Classification Scheme 2023. Collection method: clinical testing. Allele origin: germline.

Labcorp Genetics (formerly Invitae), Labcorp
Classification: Uncertain significance. Last evaluated: 2022-07-06. Review status: criteria provided, single submitter. Criteria: Invitae Variant Classification Sherloc (09022015). Collection method: clinical testing. Allele origin: germline.
Comment: This sequence change replaces arginine, which is basic and polar, with glutamine, which is neutral and polar, at codon 1059 of the SPEG protein (p.Arg1059Gln). In summary, the available evidence is currently insufficient to determine the role of this variant in disease. Therefore, it has been classified as a Variant of Uncertain Significance. Algorithms developed to predict the effect of sequence changes on RNA splicing suggest that this variant may create or strengthen a splice site. Algorithms developed to predict the effect of missense changes on protein structure and function output the following: SIFT: "Tolerated"; PolyPhen-2: "Benign"; Align-GVGD: "Class C0". The glutamine amino acid residue is found in multiple mammalian species, which suggests that this missense change does not adversely affect protein function. ClinVar contains an entry for this variant (Variation ID: 1388988). This variant has not been reported in the literature in individuals affected with SPEG-related conditions. This variant is present in population databases (rs572860871, gnomAD 0.003%).